The following is an entry in ClinVar:

ClinVar aggregate classification (germline): Uncertain significance (1 of 4 stars; one submission).

Conditions:
Autosomal recessive severe congenital neutropenia due to JAGN1 deficiency. Also called: Severe congenital neutropenia 6, autosomal recessive. Identifiers: Orphanet 423384, MedGen C4014954, MONDO:0014456, OMIM 616022.

Submission:

Labcorp Genetics (formerly Invitae), Labcorp
Classification: Uncertain significance for Autosomal recessive severe congenital neutropenia due to JAGN1 deficiency. Last evaluated: 2022-01-12. Review status: criteria provided, single submitter. Criteria: Invitae Variant Classification Sherloc (09022015). Collection method: clinical testing. Allele origin: germline.
Comment: In summary, the available evidence is currently insufficient to determine the role of this variant in disease. Therefore, it has been classified as a Variant of Uncertain Significance. Variants that disrupt the consensus splice site are a relatively common cause of aberrant splicing (PMID: 17576681, 9536098). Algorithms developed to predict the effect of sequence changes on RNA splicing suggest that this variant may disrupt the consensus splice site. This variant has not been reported in the literature in individuals affected with JAGN1-related conditions. This variant is not present in population databases (gnomAD no frequency). This sequence change falls in intron 1 of the JAGN1 gene. It does not directly change the encoded amino acid sequence of the JAGN1 protein. It affects a nucleotide within the consensus splice site.

Literature cited by the submitters: PubMed 17576681; PubMed 9536098.

NM_032492.4(JAGN1):c.89+1G>A

Gene: JAGN1 (jagunal vesicle mediated transporter 1; plus strand). Cytogenetic location: 3p25.3.
Variant type: single nucleotide variant.
Coding change: c.89+1G>A on transcript NM_032492.4 (MANE Select); the canonical splice donor site of the intron after coding-DNA position 89, G replaced by A.
Molecular consequence: splice donor variant.
Genome position (GRCh38, 1-based): chr3:9,890,812, G>A. VCF-style: chr3-9890812-G-A. GRCh37 (hg19) VCF-style: chr3-9932496-G-A.
Other names: c.-180+1G>A (NM_001363890.1).
Identifiers: ClinVar variation 2081420 (VCV002081420.4), dbSNP rs2469941957, ClinGen allele CA351712259.